The following is an entry in ClinVar:

ClinVar aggregate classification (germline): Uncertain significance (1 of 4 stars; one submission).

Conditions:
Malignant hyperthermia, susceptibility to, 5 (MHS5). Also called: CACNA1S-Related Malignant Hyperthermia Susceptibility. Identifiers: Orphanet 423, MedGen C1866077, MONDO:0011163, OMIM 601887.

Submission:

All of Us Research Program, National Institutes of Health
Classification: Uncertain significance for Malignant hyperthermia, susceptibility to, 5. Last evaluated: 2023-08-15. Review status: criteria provided, single submitter. Criteria: ACMG Guidelines, 2015. Collection method: clinical testing. Allele origin: germline. Inheritance: Autosomal dominant inheritance. Observed: 1 variant allele, 1 heterozygote.
Comment: This missense variant replaces isoleucine with threonine at codon 1827 of the CACNA1S protein. Computational prediction suggests that this variant may not impact protein structure and function (internally defined REVEL score threshold <= 0.5, PMID: 27666373). To our knowledge, functional studies have not been reported for this variant. This variant has not been reported in individuals affected with CACNA1S-related disorders in the literature. This variant has not been identified in the general population by the Genome Aggregation Database (gnomAD). The available evidence is insufficient to determine the role of this variant in disease conclusively. Therefore, this variant is classified as a Variant of Uncertain Significance.

This study involves interpretation of variants in research participants for the purpose of population health screening. Participant phenotype was not available at the time of variant classification. Additional details can be found in publication PMID: 35346344, PMCID: PMC8962531

NM_000069.3(CACNA1S):c.5480T>C (p.Ile1827Thr)

Gene: CACNA1S (calcium voltage-gated channel subunit alpha1 S; minus strand). Cytogenetic location: 1q32.1.
Variant type: single nucleotide variant.
Coding change: c.5480T>C on transcript NM_000069.3 (MANE Select); coding-DNA position 5480, T replaced by C.
Protein change: p.Ile1827Thr; replaces isoleucine 1827 with threonine.
Molecular consequence: missense variant.
Genome position (GRCh38, 1-based): chr1:201,039,973, A>G on the plus strand (T>C on the coding strand, the complement: CACNA1S is on the minus strand). VCF-style: chr1-201039973-A-G. GRCh37 (hg19) VCF-style: chr1-201009101-A-G.
Other names: short protein forms I1827T.
Identifiers: ClinVar variation 3072959 (VCV003072959.1), dbSNP rs373693197, ClinGen allele CA344128987.